The following is an entry in ClinVar:

ClinVar aggregate classification (germline): Likely pathogenic (1 of 4 stars; one submission).

Conditions:
Hereditary cancer-predisposing syndrome. Also called: Hereditary Cancer Syndrome; Neoplastic Syndromes, Hereditary; Hereditary neoplastic syndrome; Tumor predisposition. Identifiers: Orphanet 140162, MedGen C0027672, MeSH D009386, MONDO:0015356.

Submissions (2):

Ambry Genetics
Classification: Likely pathogenic for Hereditary cancer-predisposing syndrome. Last evaluated: 2017-11-10. Review status: criteria provided, single submitter. Criteria: Ambry Variant Classification Scheme 2023. Collection method: clinical testing. Allele origin: germline.
Comment: The c.465-2A>C intronic variant results from an A to C substitution two nucleotides upstream from coding exon 4 of the STK11 gene. This nucleotide position is highly conserved in available vertebrate species. Using the BDGP and ESEfinder splice site prediction tools, this alteration is predicted to abolish the native splice acceptor site; however, direct evidence is unavailable. Alterations that disrupt the canonical splice site are expected to cause aberrant splicing, resulting in an abnormal protein or a transcript that is subject to nonsense-mediated mRNA decay. As such, this alteration is classified as likely pathogenic.

Dr. Peter K. Rogan Lab, Western University
No classification provided (evidence only). Condition: Lung cancer. Review status: no classification provided. Collection method: in vitro. Allele origin: not applicable. Functional consequence: skipped exon, retained intron. Not counted in ClinVar's aggregate classification.

Literature cited by the submitters: PubMed 11389158 (cited by Ambry Genetics).

NM_000455.5(STK11):c.465-2A>C

Gene: STK11 (serine/threonine kinase 11; plus strand). Cytogenetic location: 19p13.3.
Variant type: single nucleotide variant.
Coding change: c.465-2A>C on transcript NM_000455.5 (MANE Select); the canonical splice acceptor site of the intron before coding-DNA position 465, A replaced by C.
Molecular consequence: splice acceptor variant.
Genome position (GRCh38, 1-based): chr19:1,220,371, A>C. VCF-style: chr19-1220371-A-C. GRCh37 (hg19) VCF-style: chr19-1220370-A-C.
Other names: NC_000019.9:g.1220370A>C; c.465-2A>C (NM_001407255.1).
Identifiers: ClinVar variation 428767 (VCV000428767.6), dbSNP rs1131690931, ClinGen allele CA402948756.
Genomic context (GRCh38, chr19:1,220,371, plus strand): 5'-AAGGGGACCCCTGTGAGGGGCAGGGAGGCCTCGGCCCCAGGACGGGTGTGTGCTGCCCGC[A>C]GGTACTTCTGTCAGCTGATTGACGGCCTGGAGTACCTGCATAGCCAGGGCATTGTGCACA-3'